The following is an entry in ClinVar:

NM_032119.4(ADGRV1):c.3955C>T (p.Arg1319Trp)

Gene: ADGRV1 (adhesion G protein-coupled receptor V1; plus strand). Cytogenetic location: 5q14.3.
Variant type: single nucleotide variant.
Coding change: c.3955C>T on transcript NM_032119.4 (MANE Select); coding-DNA position 3955, C replaced by T.
Protein change: p.Arg1319Trp; replaces arginine 1319 with tryptophan.
Molecular consequence: missense variant. On other transcripts: non-coding transcript variant (1).
Genome position (GRCh38, 1-based): chr5:90,653,529, C>T. VCF-style: chr5-90653529-C-T. GRCh37 (hg19) VCF-style: chr5-89949346-C-T.
Other names: c.3955C>T (NM_032119.3); short protein forms R1319W.
Identifiers: ClinVar variation 1043980 (VCV001043980.10), dbSNP rs372789540, ClinGen allele CA3339268.
Genomic context (GRCh38, chr5:90,653,529, plus strand): 5'-ATGATAGATTTTTTACTGGTTGGAATTTTCCCCACCACCGTGCATTTACAACAGCACATG[C>T]GGCGTCACCACAGTGGAACGGATGCTTTGTACTTTACCGGACTAGAGGGTGCATTTGGGA-3'
Protein context (NP_115495.3, residues 1309-1329): PTTVHLQQHM[Arg1319Trp]RHHSGTDALY

ClinVar aggregate classification (germline): Conflicting classifications of pathogenicity. Review status: criteria provided, conflicting classifications (1 of 4 stars). 5 submissions from 5 submitters: Uncertain significance (4); Likely benign (1). Last evaluated 2026-02-19.

Conditions:
ADGRV1-related disorder. Also called: ADGRV1-related condition; ADGRV1-related disorders.

Allele frequency attached by ClinVar (database versions not stated): gnomAD 0.00007; TOPMed 0.00008; 1000 Genomes Project 0.00020; 1000 Genomes Project 30x 0.00031.
gnomAD v4.1: 73 of 1,613,818 alleles (0.0045%); highest among the groups gnomAD compares: African/African-American, 0.012%; no homozygotes.

Submissions (5):

PreventionGenetics, part of Exact Sciences
Classification: Uncertain significance for ADGRV1-related condition. Last evaluated: 2026-02-19. Review status: criteria provided, single submitter. Criteria: ACMG Guidelines, 2015. Collection method: clinical testing. Allele origin: germline.
Comment: The ADGRV1 c.3955C>T variant is predicted to result in the amino acid substitution p.Arg1319Trp. To our knowledge, this variant has not been reported in the literature. This variant is reported in 0.0044% of alleles in individuals of European (Non-Finnish) descent in gnomAD. At this time, the clinical significance of this variant is uncertain due to the absence of conclusive functional and genetic evidence.

Labcorp Genetics (formerly Invitae), Labcorp
Classification: Likely benign. Last evaluated: 2025-11-24. Review status: criteria provided, single submitter. Criteria: Invitae Variant Classification Sherloc (09022015). Collection method: clinical testing. Allele origin: germline.

Women's Health and Genetics/Laboratory Corporation of America, LabCorp
Classification: Uncertain significance. Last evaluated: 2025-11-06. Review status: criteria provided, single submitter. Criteria: LabCorp Variant Classification Summary - May 2015. Collection method: clinical testing. Allele origin: germline.
Comment: Variant summary: ADGRV1 c.3955C>T (p.Arg1319Trp) results in a non-conservative amino acid change in the encoded protein sequence. Algorithms developed to predict the effect of missense changes on protein structure and function are either unavailable or do not agree on the potential impact of this missense change. The variant allele was found at a frequency of 2.8e-05 in 248872 control chromosomes. The available data on variant occurrences in the general population are insufficient to allow any conclusion about variant significance. To our knowledge, no occurrence of c.3955C>T in individuals affected with ADGRV1-related conditions and no experimental evidence demonstrating its impact on protein function have been reported. ClinVar contains an entry for this variant (Variation ID: 1043980). Based on the evidence outlined above, the variant was classified as uncertain significance.

Blueprint Genetics
Classification: Uncertain significance. Last evaluated: 2023-08-03. Review status: criteria provided, single submitter. Criteria: ACMG Guidelines, 2015. Collection method: clinical testing. Allele origin: germline.

GeneDx
Classification: Uncertain significance. Last evaluated: 2023-04-20. Review status: criteria provided, single submitter. Criteria: GeneDx Variant Classification Process June 2021. Collection method: clinical testing. Allele origin: germline. Affected: yes.
Comment: Not observed at significant frequency in large population cohorts (gnomAD); In silico analysis supports that this missense variant has a deleterious effect on protein structure/function; Has not been previously published as pathogenic or benign to our knowledge